The following is an entry in ClinVar:

NM_002907.4(RECQL):c.367T>C (p.Tyr123His)

Gene: RECQL (RecQ like helicase; minus strand). Cytogenetic location: 12p12.1.
Variant type: single nucleotide variant.
Coding change: c.367T>C on transcript NM_002907.4 (MANE Select); coding-DNA position 367, T replaced by C.
Protein change: p.Tyr123His; replaces tyrosine 123 with histidine.
Molecular consequence: missense variant.
Genome position (GRCh38, 1-based): chr12:21,490,226, A>G on the plus strand (T>C on the coding strand, the complement: RECQL is on the minus strand). VCF-style: chr12-21490226-A-G. GRCh37 (hg19) VCF-style: chr12-21643160-A-G.
Other names: c.367T>C, p.Tyr123His (NM_032941.3); short protein forms Y123H.
Identifiers: ClinVar variation 1733876 (VCV001733876.3), dbSNP rs369075997, ClinGen allele CA6479123.

ClinVar aggregate classification (germline): Uncertain significance (1 of 4 stars; one submission).

Allele frequency attached by ClinVar (database versions not stated): gnomAD exomes below 0.00001; TOPMed below 0.00001; ExAC 0.00001; ESP Exome Variant Server 0.00008.
gnomAD v4.1: 1 of 1,612,276 alleles (0.000062%); highest among the groups gnomAD compares: Non-Finnish European, 0.000085%; no homozygotes.

Submission:

Ambry Genetics
Classification: Uncertain significance. Last evaluated: 2024-11-17. Review status: criteria provided, single submitter. Criteria: Ambry Variant Classification Scheme 2023. Collection method: clinical testing. Allele origin: germline.
Comment: The p.Y123H variant (also known as c.367T>C), located in coding exon 3 of the RECQL gene, results from a T to C substitution at nucleotide position 367. The tyrosine at codon 123 is replaced by histidine, an amino acid with similar properties. This amino acid position is conserved. In addition, this alteration is predicted to be deleterious by in silico analysis. Since supporting evidence is limited at this time, the clinical significance of this alteration remains unclear.